The following is an entry in ClinVar:

ClinVar aggregate classification (germline): Uncertain significance (0 of 4 stars; one submission).

Conditions:
LOXL3-related disorder. Also called: LOXL3-related condition.

Allele frequency attached by ClinVar (database versions not stated): TOPMed below 0.00001; ExAC 0.00001; gnomAD exomes below 0.00001; gnomAD 0.00001.
gnomAD v4.1: 2 of 1,611,190 alleles (0.00012%); highest among the groups gnomAD compares: Non-Finnish European, 0.00017%; no homozygotes.

Submission:

PreventionGenetics, part of Exact Sciences
Classification: Uncertain significance for LOXL3-related condition. Last evaluated: 2023-11-29. Review status: no assertion criteria provided. Collection method: clinical testing. Allele origin: germline.
Comment: The LOXL3 c.658C>T variant is predicted to result in the amino acid substitution p.Pro220Ser. To our knowledge, this variant has not been reported in the literature. This variant is reported in 0.0016% of alleles in individuals of European (Non-Finnish) descent in gnomAD. At this time, the clinical significance of this variant is uncertain due to the absence of conclusive functional and genetic evidence.

NM_032603.5(LOXL3):c.658C>T (p.Pro220Ser)

Genes: LOXL3 (lysyl oxidase like 3; minus strand), DOK1 (docking protein 1; plus strand). Cytogenetic location: 2p13.1.
Variant type: single nucleotide variant.
Coding change: c.658C>T on transcript NM_032603.5 (MANE Select); coding-DNA position 658, C replaced by T.
Protein change: p.Pro220Ser; replaces proline 220 with serine.
Molecular consequence: missense variant. On other transcripts: 5 prime UTR variant (1), intron variant (2).
Genome position (GRCh38, 1-based): chr2:74,549,403, G>A on the plus strand (C>T on the coding strand, the complement: LOXL3 is on the minus strand). VCF-style: chr2-74549403-G-A. GRCh37 (hg19) VCF-style: chr2-74776530-G-A.
Other names: c.-206C>T (NM_001289165.2); c.477+782C>T (NM_001289164.3); c.-358+231G>A (NM_001197260.2); short protein forms P220S.
Identifiers: ClinVar variation 3030719 (VCV003030719.2), dbSNP rs765772693, ClinGen allele CA1729129.
Genomic context (GRCh38, chr2:74,549,403, plus strand): 5'-TCCGCCCGGCGCCCGCGGCCCCTCACCTGTAGAAGGCCGCGTTGACCCTCTTTTCGCTGG[G>A]GAAGCCCAGCATCCCGCAGACCACGTGGCTGTTGTGGGCGCTCCAGCCTTTGTCGCACAC-3'
Protein context (NP_115992.1, residues 210-230): SHVVCGMLGF[Pro220Ser]SEKRVNAAFY